The following is an entry in ClinVar:

ClinVar aggregate classification (germline): Uncertain significance. Review status: criteria provided, multiple submitters, no conflicts (2 of 4 stars). 3 submissions from 3 submitters: Uncertain significance (2). 1 of the submissions does not count toward it. Last evaluated 2025-05-25.

Conditions:
Inborn genetic diseases. Identifiers: MedGen C0950123, MeSH D030342.
Mucopolysaccharidosis type 1. Also called: IDUA deficiency; MPS I; Mucopolysaccharidosis Type I. Identifiers: Orphanet 579, MedGen C0023786, MONDO:0001586.

Allele frequency attached by ClinVar (database versions not stated): TOPMed below 0.00001; gnomAD 0.00001.
gnomAD v4.1: 8 of 1,417,320 alleles (0.00056%); highest among the groups gnomAD compares: East Asian, 0.025%; no homozygotes.

Submissions (3):

Ambry Genetics
Classification: Uncertain significance for Inborn genetic diseases. Last evaluated: 2025-05-25. Review status: criteria provided, single submitter. Criteria: Ambry Variant Classification Scheme 2023. Collection method: clinical testing. Allele origin: germline.

Labcorp Genetics (formerly Invitae), Labcorp
Classification: Uncertain significance for Mucopolysaccharidosis type 1. Last evaluated: 2022-06-13. Review status: criteria provided, single submitter. Criteria: Invitae Variant Classification Sherloc (09022015). Collection method: clinical testing. Allele origin: germline.
Comment: This sequence change replaces proline, which is neutral and non-polar, with leucine, which is neutral and non-polar, at codon 22 of the IDUA protein (p.Pro22Leu). The frequency data for this variant in the population databases is considered unreliable, as metrics indicate poor data quality at this position in the gnomAD database. This variant has not been reported in the literature in individuals affected with IDUA-related conditions. ClinVar contains an entry for this variant (Variation ID: 658528). Advanced modeling of protein sequence and biophysical properties (such as structural, functional, and spatial information, amino acid conservation, physicochemical variation, residue mobility, and thermodynamic stability) performed at Invitae indicates that this missense variant is not expected to disrupt IDUA protein function. In summary, the available evidence is currently insufficient to determine the role of this variant in disease. Therefore, it has been classified as a Variant of Uncertain Significance.

Natera, Inc.
Classification: Uncertain significance for Mucopolysaccharidosis type I. Last evaluated: 2020-09-16. Review status: no assertion criteria provided. Collection method: clinical testing. Allele origin: germline. Not counted in ClinVar's aggregate classification.

NM_000203.5(IDUA):c.65C>T (p.Pro22Leu)

Genes: IDUA (alpha-L-iduronidase; plus strand), SLC26A1 (solute carrier family 26 member 1; minus strand). Cytogenetic location: 4p16.3.
Variant type: single nucleotide variant.
Coding change: c.65C>T on transcript NM_000203.5 (MANE Select); coding-DNA position 65, C replaced by T.
Protein change: p.Pro22Leu; replaces proline 22 with leucine.
Molecular consequence: missense variant. On other transcripts: non-coding transcript variant (1), intron variant (1).
Genome position (GRCh38, 1-based): chr4:987,149, C>T. VCF-style: chr4-987149-C-T. GRCh37 (hg19) VCF-style: chr4-980937-C-T.
Other names: c.65C>T (NM_000203.3); c.576+3979G>A (NM_134425.4); short protein forms P22L.
Identifiers: ClinVar variation 658528 (VCV000658528.7), dbSNP rs745879759, ClinGen allele CA355945382.
Genomic context (GRCh38, chr4:987,149, plus strand): 5'-GTCCCCTGCGCCCCCGCGCCGCGCTGCTGGCGCTCCTGGCCTCGCTCCTGGCCGCGCCCC[C>T]GGTGGCCCCGGCCGAGGCCCCGCACCTGGTGCATGTGGACGCGGCCCGCGCGCTGTGGCC-3'
Protein context (NP_000194.2, residues 12-32): ALLASLLAAP[Pro22Leu]VAPAEAPHLV